The following is an entry in ClinVar:

NM_000051.4(ATM):c.1778C>G (p.Thr593Arg)

Gene: ATM (ATM serine/threonine kinase; plus strand). Cytogenetic location: 11q22.3.
Variant type: single nucleotide variant.
Coding change: c.1778C>G on transcript NM_000051.4 (MANE Select); coding-DNA position 1778, C replaced by G.
Protein change: p.Thr593Arg; replaces threonine 593 with arginine.
Molecular consequence: missense variant.
Genome position (GRCh38, 1-based): chr11:108,252,007, C>G. VCF-style: chr11-108252007-C-G. GRCh37 (hg19) VCF-style: chr11-108122734-C-G.
Other names: c.1778C>G, p.Thr593Arg (NM_001351834.2); short protein forms T593R.
Identifiers: ClinVar variation 1354537 (VCV001354537.6), dbSNP rs2135343992, ClinGen allele CA382535496.
Genomic context (GRCh38, chr11:108,252,007, plus strand): 5'-AGGAATCAATAATGAAATGGCTCTTATTCTATCAGTTAGAGGGTGACTTAGAAAATAGCA[C>G]AGAAGTGCCTCCAATTCTTCACAGGTAATTTAAGTTCATTAGCATGCTGCTGTTTTTTTT-3'
Protein context (NP_000042.3, residues 583-603): YQLEGDLENS[Thr593Arg]EVPPILHSNF

ClinVar aggregate classification (germline): Uncertain significance (1 of 4 stars; one submission).

Conditions:
Ataxia-telangiectasia syndrome (AT). Also called: ATAXIA-TELANGIECTASIA, COMPLEMENTATION GROUP A; ATAXIA-TELANGIECTASIA, FRESNO VARIANT; Ataxia-telangiectasia; Ataxia-telangiectasia, complementation group D; Ataxia-telangiectasia, complementation group E; Ataxia telangiectasia (A-T). Identifiers: Orphanet 100, MedGen C0004135, MONDO:0008840, OMIM 208900.

Submission:

Labcorp Genetics (formerly Invitae), Labcorp
Classification: Uncertain significance for Ataxia-telangiectasia syndrome. Last evaluated: 2023-08-31. Review status: criteria provided, single submitter. Criteria: Invitae Variant Classification Sherloc (09022015). Collection method: clinical testing. Allele origin: germline.
Comment: This sequence change replaces threonine, which is neutral and polar, with arginine, which is basic and polar, at codon 593 of the ATM protein (p.Thr593Arg). This variant is not present in population databases (gnomAD no frequency). This variant has not been reported in the literature in individuals affected with ATM-related conditions. ClinVar contains an entry for this variant (Variation ID: 1354537). An algorithm developed to predict the effect of missense changes on protein structure and function (PolyPhen-2) suggests that this variant is likely to be tolerated. In summary, the available evidence is currently insufficient to determine the role of this variant in disease. Therefore, it has been classified as a Variant of Uncertain Significance.